The following is an entry in ClinVar:

NM_000363.5(TNNI3):c.372+4G>C

Gene: TNNI3 (troponin I3, cardiac type; minus strand). Cytogenetic location: 19q13.42.
Variant type: single nucleotide variant.
Coding change: c.372+4G>C on transcript NM_000363.5 (MANE Select); 4 bases into the intron after coding-DNA position 372, G replaced by C.
Molecular consequence: intron variant.
Genome position (GRCh38, 1-based): chr19:55,154,737, C>G on the plus strand (G>C on the coding strand, the complement: TNNI3 is on the minus strand). VCF-style: chr19-55154737-C-G. GRCh37 (hg19) VCF-style: chr19-55666105-C-G.
Identifiers: ClinVar variation 1734290 (VCV001734290.2), dbSNP rs1285163191, ClinGen allele CA2343274074.

ClinVar aggregate classification (germline): Uncertain significance (1 of 4 stars; one submission).

Conditions:
Cardiovascular phenotype. Identifiers: MedGen CN230736.

Submission:

Ambry Genetics
Classification: Uncertain significance for Cardiovascular phenotype. Last evaluated: 2021-11-09. Review status: criteria provided, single submitter. Criteria: Ambry Variant Classification Scheme 2023. Collection method: clinical testing. Allele origin: germline.
Comment: The c.372+4G>C intronic variant results from a G to C substitution 4 nucleotides after coding exon 6 in the TNNI3 gene. This nucleotide position is not well conserved in available vertebrate species. In silico splice site analysis for this alteration is inconclusive. Since supporting evidence is limited at this time, the clinical significance of this alteration remains unclear.